The following is an entry in ClinVar:

NM_001042492.3(NF1):c.3114-1G>A

Gene: NF1 (neurofibromin 1; plus strand). Cytogenetic location: 17q11.2.
Variant type: single nucleotide variant.
Coding change: c.3114-1G>A on transcript NM_001042492.3 (MANE Select); the canonical splice acceptor site of the intron before coding-DNA position 3114, G replaced by A.
Molecular consequence: splice acceptor variant.
Genome position (GRCh38, 1-based): chr17:31,230,841, G>A. VCF-style: chr17-31230841-G-A. GRCh37 (hg19) VCF-style: chr17-29557859-G-A.
Other names: c.3114-1G>A (NM_000267.4).
Identifiers: ClinVar variation 547621 (VCV000547621.12), dbSNP rs1555614611, ClinGen allele CA398987825.

ClinVar aggregate classification (germline): Pathogenic/Likely pathogenic. Review status: criteria provided, multiple submitters, no conflicts (2 of 4 stars). 6 submissions from 6 submitters: Pathogenic (2); Likely pathogenic (4). Last evaluated 2026-06-24.

Conditions:
Hereditary cancer-predisposing syndrome. Also called: Tumor predisposition; Neoplastic Syndromes, Hereditary; Hereditary neoplastic syndrome; Hereditary Cancer Syndrome. Identifiers: Orphanet 140162, MedGen C0027672, MeSH D009386, MONDO:0015356.
Cardiovascular phenotype. Identifiers: MedGen CN230736.
Neurofibromatosis, type 1 (NF1). Also called: NEUROFIBROMATOSIS, TYPE I, SOMATIC; Peripheral type neurofibromatosis; Neurofibromatosis, type I; VON RECKLINGHAUSEN DISEASE. Identifiers: Orphanet 636, MedGen C0027831, MONDO:0018975, OMIM 162200. Disease mechanism: loss of function.

Submissions (6):

GeneDx
Classification: Pathogenic. Last evaluated: 2026-06-24. Review status: criteria provided, single submitter. Criteria: GeneDx Variant Classification Process June 2021. Collection method: clinical testing. Allele origin: germline.
Comment: Canonical splice site variant predicted to result in an in-frame loss of the adjacent exon in a gene for which loss of function is a known mechanism of disease; Deletions involving coding exons of this gene are a known mechanism of disease (HGMD); Not observed at significant frequency in large population cohorts (gnomAD); This variant is associated with the following publications: (PMID: 39001468, 2121369, 25486365)

Ambry Genetics
Classification: Pathogenic for Cardiovascular phenotype; Hereditary cancer-predisposing syndrome. Last evaluated: 2026-03-24. Review status: criteria provided, single submitter. Criteria: Ambry Variant Classification Scheme 2023. Collection method: clinical testing. Allele origin: germline.
Comment: The c.3114-1G>A intronic pathogenic mutation results from a G to A substitution one nucleotide upstream from coding exon 24 of the NF1 gene. This variant was reported in individual(s) with features consistent with neurofibromatosis type 1 (Chen Y et al. Cancers (Basel), 2024 Jun;16:). This nucleotide position is highly conserved in available vertebrate species. In silico splice site analysis predicts that this alteration will weaken the native splice acceptor site and will result in the creation or strengthening of a novel splice acceptor site. RNA studies have demonstrated that this alteration results in skipping of exon 24 (Chen Y et al. Cancers (Basel), 2024 Jun;16:; Ambry internal data). This variant is considered to be rare based on population cohorts in the Genome Aggregation Database (gnomAD). Based on the supporting evidence, this variant is interpreted as a disease-causing mutation.

Genome-Nilou Lab
Classification: Likely pathogenic for Neurofibromatosis, type 1. Last evaluated: 2022-03-15. Review status: criteria provided, single submitter. Criteria: ACMG Guidelines, 2015. Collection method: clinical testing. Allele origin: germline. Affected: no.

Genome Diagnostics Laboratory, The Hospital for Sick Children
Classification: Likely pathogenic for Neurofibromatosis, type 1. Last evaluated: 2020-10-26. Review status: criteria provided, single submitter. Criteria: ACMG Guidelines, 2015. Collection method: clinical testing. Allele origin: germline. Affected: yes.

Labcorp Genetics (formerly Invitae), Labcorp
Classification: Likely pathogenic for Neurofibromatosis, type 1. Last evaluated: 2019-10-07. Review status: criteria provided, single submitter. Criteria: Invitae Variant Classification Sherloc (09022015). Collection method: clinical testing. Allele origin: germline.
Comment: This sequence change affects an acceptor splice site in intron 23 of the NF1 gene. It is expected to disrupt RNA splicing and likely results in an absent or disrupted protein product. This variant is not present in population databases (ExAC no frequency). This variant has not been reported in the literature in individuals with NF1-related conditions. ClinVar contains an entry for this variant (Variation ID: 547621). Algorithms developed to predict the effect of sequence changes on RNA splicing suggest that this variant may disrupt the consensus splice site, but this prediction has not been confirmed by published transcriptional studies. Donor and acceptor splice site variants typically lead to a loss of protein function (PMID: 16199547), and loss-of-function variants in NF1 are known to be pathogenic (PMID: 10712197, 23913538). In summary, the currently available evidence indicates that the variant is pathogenic, but additional data are needed to prove that conclusively. Therefore, this variant has been classified as Likely Pathogenic.

Center for Human Genetics, Inc
Classification: Likely pathogenic for Neurofibromatosis, type 1. Last evaluated: 2016-11-01. Review status: criteria provided, single submitter. Criteria: ACMG Guidelines, 2015. Collection method: clinical testing. Allele origin: germline. Affected: yes.

Literature cited by the submitters: PubMed 24789688 (cited by Ambry Genetics); PubMed 39001468 (cited by Ambry Genetics); PubMed 23913538 (cited by Labcorp Genetics (formerly Invitae), Labcorp); PubMed 10712197 (cited by Labcorp Genetics (formerly Invitae), Labcorp).